The following is an entry in ClinVar:

ClinVar aggregate classification (germline): Uncertain significance (1 of 4 stars; one submission).

Conditions:
Hereditary cancer-predisposing syndrome. Also called: Hereditary Cancer Syndrome; Tumor predisposition; Hereditary neoplastic syndrome; Neoplastic Syndromes, Hereditary. Identifiers: Orphanet 140162, MedGen C0027672, MeSH D009386, MONDO:0015356.

Submission:

Ambry Genetics
Classification: Uncertain significance for Hereditary cancer-predisposing syndrome. Last evaluated: 2024-06-30. Review status: criteria provided, single submitter. Criteria: Ambry Variant Classification Scheme 2023. Collection method: clinical testing. Allele origin: germline.
Comment: The p.S279R variant (also known as c.837C>G), located in coding exon 4 of the MSH6 gene, results from a C to G substitution at nucleotide position 837. The serine at codon 279 is replaced by arginine, an amino acid with dissimilar properties. This amino acid position is conserved. In addition, this alteration is predicted to be deleterious by in silico analysis. Based on the available evidence, the clinical significance of this variant remains unclear.

NM_000179.3(MSH6):c.837C>G (p.Ser279Arg)

Gene: MSH6 (mutS homolog 6; plus strand). Cytogenetic location: 2p16.3.
Variant type: single nucleotide variant.
Coding change: c.837C>G on transcript NM_000179.3 (MANE Select); coding-DNA position 837, C replaced by G.
Protein change: p.Ser279Arg; replaces serine 279 with arginine.
Molecular consequence: missense variant. On other transcripts: 5 prime UTR variant (9), non-coding transcript variant (4), intron variant (1).
Genome position (GRCh38, 1-based): chr2:47,798,820, C>G. VCF-style: chr2-47798820-C-G. GRCh37 (hg19) VCF-style: chr2-48025959-C-G.
Other names: c.447C>G, p.Ser149Arg (NM_001281492.2); c.-70C>G (NM_001281493.2, NM_001281494.2, NM_001406811.1 and 6 more transcripts); c.933C>G, p.Ser311Arg (NM_001406795.1, NM_001406802.1); c.837C>G, p.Ser279Arg (NM_001406796.1, NM_001406798.1, NM_001406800.1 and 4 more transcripts); c.540C>G, p.Ser180Arg (NM_001406797.1, NM_001406801.1, NM_001406805.1 and 10 more transcripts); c.312C>G, p.Ser104Arg (NM_001406799.1, NM_001406806.1, NM_001406807.1); c.759C>G, p.Ser253Arg (NM_001406804.1); c.843C>G, p.Ser281Arg (NM_001406813.1); and 2 more; short protein forms S104R, S149R, S180R, S279R, S281R, S223R, S253R, S311R.
Identifiers: ClinVar variation 3398868 (VCV003398868.1).